The following is an entry in ClinVar:

ClinVar aggregate classification (germline): Benign. Review status: criteria provided, multiple submitters, no conflicts (2 of 4 stars). 2 submissions from 2 submitters: Benign (2). Last evaluated 2018-01-13.

Conditions:
Spinocerebellar ataxia type 23 (SCA23). Identifiers: Orphanet 101108, MedGen C1853250, MONDO:0012449, OMIM 610245.

Allele frequency attached by ClinVar (database versions not stated): gnomAD exomes 0.08029; 1000 Genomes Project 0.09525; 1000 Genomes Project 30x 0.09869; gnomAD 0.11860 and 0.12279; TOPMed 0.12355.
gnomAD v4.1: 18,467 of 157,242 alleles (12%); highest among the groups gnomAD compares: Middle Eastern, 17%; 1,196 homozygotes.

Submissions (2):

Illumina Laboratory Services, Illumina
Classification: Benign for Spinocerebellar ataxia type 23. Last evaluated: 2018-01-13. Review status: criteria provided, single submitter. Criteria: ICSL Variant Classification Criteria 13 December 2019. Collection method: clinical testing. Allele origin: germline.
Comment: This variant was observed in the ICSL laboratory as part of a predisposition screen in an ostensibly healthy population. It had not been previously curated by ICSL or reported in the Human Gene Mutation Database (HGMD: prior to June 1st, 2018), and was therefore a candidate for classification through an automated scoring system. Utilizing variant allele frequency, disease prevalence and penetrance estimates, and inheritance mode, an automated score was calculated to assess if this variant is too frequent to cause the disease. Based on the score and internal cut-off values, a variant classified as benign is not then subjected to further curation. The score for this variant resulted in a classification of benign for this disease.

Breakthrough Genomics
Classification: Benign. Review status: criteria provided, single submitter. Criteria: ACMG Guidelines, 2015. Collection method: not provided. Allele origin: germline. Inheritance: Autosomal dominant inheritance. Affected: yes.

NM_024411.5(PDYN):c.*656T>C

Genes: PDYN-AS1 (PDYN antisense RNA 1; plus strand), PDYN (prodynorphin; minus strand). Cytogenetic location: 20p13.
Variant type: single nucleotide variant.
Coding change: c.*656T>C on transcript NM_024411.5 (MANE Select); 656 bases downstream of the stop codon, T replaced by C.
Molecular consequence: 3 prime UTR variant.
Genome position (GRCh38, 1-based): chr20:1,979,667, A>G on the plus strand (T>C on the coding strand, the complement: PDYN is on the minus strand). VCF-style: chr20-1979667-A-G. GRCh37 (hg19) VCF-style: chr20-1960313-A-G.
Other names: c.*656T>C (NM_001190892.1, NM_001190898.3, NM_001190899.2 and 1 more transcripts).
Identifiers: ClinVar variation 337822 (VCV000337822.6), dbSNP rs10485703, ClinGen allele CA10649396.